The following is an entry in ClinVar:

ClinVar aggregate classification (germline): Uncertain significance (1 of 4 stars; one submission).

Submission:

GeneDx
Classification: Uncertain significance. Last evaluated: 2021-10-28. Review status: criteria provided, single submitter. Criteria: GeneDx Variant Classification Process June 2021. Collection method: clinical testing. Allele origin: germline. Affected: yes.
Comment: Not observed at significant frequency in large population cohorts (Lek et al., 2016); In silico analysis supports that this missense variant has a deleterious effect on protein structure/function; Has not been previously published as pathogenic or benign to our knowledge

NM_001394062.1(MACF1):c.16039G>A (p.Ala5347Thr)

Gene: MACF1 (microtubule actin crosslinking factor 1; plus strand). Cytogenetic location: 1p34.3.
Variant type: single nucleotide variant.
Coding change: c.16039G>A on transcript NM_001394062.1 (MANE Select); coding-DNA position 16039, G replaced by A.
Protein change: p.Ala5347Thr; replaces alanine 5347 with threonine.
Molecular consequence: missense variant.
Genome position (GRCh38, 1-based): chr1:39,422,790, G>A. VCF-style: chr1-39422790-G-A. GRCh37 (hg19) VCF-style: chr1-39888462-G-A.
Other names: c.9853G>A, p.Ala3285Thr (NM_012090.5); short protein forms A3285T, A5347T.
Identifiers: ClinVar variation 1315546 (VCV001315546.2), dbSNP rs2148637663, ClinGen allele CA339792265.